The following is an entry in ClinVar:

ClinVar aggregate classification (germline): Uncertain significance (1 of 4 stars; one submission).

gnomAD v4.1: 2 of 1,605,510 alleles (0.00012%); highest among the groups gnomAD compares: South Asian, 0.0011%; no homozygotes.

Submission:

GeneDx
Classification: Uncertain significance. Last evaluated: 2026-04-20. Review status: criteria provided, single submitter. Criteria: GeneDx Variant Classification Process June 2021. Collection method: clinical testing. Allele origin: germline.
Comment: Has not been previously published as pathogenic or benign to our knowledge; Not observed at significant frequency in large population cohorts (gnomAD); In silico analysis supports that this missense variant has a deleterious effect on protein structure/function

NM_014975.3(MAST1):c.1762T>C (p.Phe588Leu)

Gene: MAST1 (microtubule associated serine/threonine kinase 1; plus strand). Cytogenetic location: 19p13.13.
Variant type: single nucleotide variant.
Coding change: c.1762T>C on transcript NM_014975.3 (MANE Select); coding-DNA position 1762, T replaced by C.
Protein change: p.Phe588Leu; replaces phenylalanine 588 with leucine.
Molecular consequence: missense variant.
Genome position (GRCh38, 1-based): chr19:12,865,439, T>C. VCF-style: chr19-12865439-T-C. GRCh37 (hg19) VCF-style: chr19-12976253-T-C.
Other names: short protein forms F588L.
Identifiers: ClinVar variation 5037716 (VCV005037716.1).
Genomic context (GRCh38, chr19:12,865,439, plus strand): 5'-GTGGACTGGTGGGCTATGGGGATCATCCTCTACGAGTTCCTGGTGGGCTGTGTGCCCTTC[T>C]TCGGAGACACACCAGAGGAGCTATTTGGACAGGTCATCAGTGGTACGTGGCTTGGCAGTG-3'
Protein context (NP_055790.1, residues 578-598): YEFLVGCVPF[Phe588Leu]GDTPEELFGQ